The following is an entry in ClinVar:

NC_000010.11:g.121340428G>A

Gene: FGFR2 (fibroblast growth factor receptor 2; minus strand). Cytogenetic location: 10q26.12.
Variant type: single nucleotide variant.
Genome position: GRCh38 VCF-style: chr10-121340428-G-A. GRCh37 (hg19) VCF-style: chr10-123099942-G-A.
Identifiers: ClinVar variation 4977757 (VCV004977757.1).

ClinVar aggregate classification (germline): Uncertain significance (1 of 4 stars; one submission).

Conditions:
FGFR2-related disorder. Identifiers: MedGen CN380096.

Submission:

PreventionGenetics, part of Exact Sciences
Classification: Uncertain significance for FGFR2-related condition. Last evaluated: 2026-08-24. Review status: criteria provided, single submitter. Criteria: ACMG Guidelines, 2015. Collection method: clinical testing. Allele origin: germline.
Comment: The FGFR2 c.*139429C>T variant is located in the 3' untranslated region. To our knowledge, this variant has not been reported in the literature or in a large population database (gnomAD), indicating this variant is rare. At this time, the clinical significance of this variant is uncertain due to the absence of conclusive functional and genetic evidence.